The following is an entry in ClinVar:

ClinVar aggregate classification (germline): Uncertain significance (1 of 4 stars; one submission).

Conditions:
Cardiovascular phenotype. Identifiers: MedGen CN230736.

Allele frequency attached by ClinVar (database versions not stated): gnomAD exomes below 0.00001; TOPMed 0.00001; gnomAD 0.00003 and 0.00004.
gnomAD v4.1: 9 of 1,613,352 alleles (0.00056%); highest among the groups gnomAD compares: African/African-American, 0.0093%; no homozygotes.

Submission:

Ambry Genetics
Classification: Uncertain significance for Cardiovascular phenotype. Last evaluated: 2013-03-18. Review status: criteria provided, single submitter. Criteria: Ambry Autosomal Dominant and X-Linked criteria (10/2015). Collection method: clinical testing. Allele origin: germline. Observed: 1 variant allele.
Comment: There is insufficient or conflicting evidence for classification of this alteration.

NM_003803.4(MYOM1):c.3244G>A (p.Ala1082Thr)

Gene: MYOM1 (myomesin 1; minus strand). Cytogenetic location: 18p11.31.
Variant type: single nucleotide variant.
Coding change: c.3244G>A on transcript NM_003803.4 (MANE Select); coding-DNA position 3244, G replaced by A.
Protein change: p.Ala1082Thr; replaces alanine 1082 with threonine.
Molecular consequence: missense variant.
Genome position (GRCh38, 1-based): chr18:3,116,390, C>T on the plus strand (G>A on the coding strand, the complement: MYOM1 is on the minus strand). VCF-style: chr18-3116390-C-T. GRCh37 (hg19) VCF-style: chr18-3116388-C-T.
Other names: c.2956G>A, p.Ala986Thr (NM_019856.2); short protein forms A1082T, A986T.
Identifiers: ClinVar variation 520256 (VCV000520256.3), dbSNP rs968079688, ClinGen allele CA295504639.